The following is an entry in ClinVar:

ClinVar aggregate classification (germline): Uncertain significance. Review status: criteria provided, multiple submitters, no conflicts (2 of 4 stars). 2 submissions from 2 submitters: Uncertain significance (2). Last evaluated 2025-02-24.

Conditions:
Autosomal recessive nonsyndromic hearing loss 18B. Also called: Deafness, autosomal recessive 18b. Identifiers: Orphanet 90636, MedGen C3554163, MONDO:0013985, OMIM 614945.

gnomAD v4.1: 29 of 1,550,758 alleles (0.0019%); highest among the groups gnomAD compares: Non-Finnish European, 0.0025%; no homozygotes.

Submissions (2):

GeneDx
Classification: Uncertain significance. Last evaluated: 2025-02-24. Review status: criteria provided, single submitter. Criteria: GeneDx Variant Classification Process June 2021. Collection method: clinical testing. Allele origin: germline. Affected: yes.
Comment: Not observed at significant frequency in large population cohorts (gnomAD); In silico analysis supports that this missense variant has a deleterious effect on protein structure/function; Has not been previously published as pathogenic or benign to our knowledge

Juno Genomics, Hangzhou Juno Genomics, Inc
Classification: Uncertain significance for Autosomal recessive nonsyndromic hearing loss 18B. Review status: criteria provided, single submitter. Criteria: ACMG Guidelines, 2015. Collection method: clinical testing. Allele origin: germline. Affected: yes.
Comment: Absent from controls (or at extremely low frequency if recessive) in Genome Aggregation Database.;Multiple lines of computational evidence support a deleterious effect on the gene or gene product.

NM_001292063.2(OTOG):c.8570G>A (p.Cys2857Tyr)

Gene: OTOG (otogelin; plus strand). Cytogenetic location: 11p15.1.
Variant type: single nucleotide variant.
Coding change: c.8570G>A on transcript NM_001292063.2 (MANE Select); coding-DNA position 8570, G replaced by A.
Protein change: p.Cys2857Tyr; replaces cysteine 2857 with tyrosine.
Molecular consequence: missense variant.
Genome position (GRCh38, 1-based): chr11:17,645,772, G>A. VCF-style: chr11-17645772-G-A. GRCh37 (hg19) VCF-style: chr11-17667319-G-A.
Other names: c.8606G>A, p.Cys2869Tyr (NM_001277269.2); short protein forms C2857Y, C2869Y.
Identifiers: ClinVar variation 4076751 (VCV004076751.2).